The following is an entry in ClinVar:

ClinVar aggregate classification (germline): Uncertain significance (1 of 4 stars; one submission).

Submission:

Labcorp Genetics (formerly Invitae), Labcorp
Classification: Uncertain significance. Last evaluated: 2024-10-03. Review status: criteria provided, single submitter. Criteria: Invitae Variant Classification Sherloc (09022015). Collection method: clinical testing. Allele origin: germline.
Comment: This sequence change replaces isoleucine, which is neutral and non-polar, with threonine, which is neutral and polar, at codon 43 of the COL4A5 protein (p.Ile43Thr). This variant is not present in population databases (gnomAD no frequency). This variant has not been reported in the literature in individuals affected with COL4A5-related conditions. Invitae Evidence Modeling of protein sequence and biophysical properties (such as structural, functional, and spatial information, amino acid conservation, physicochemical variation, residue mobility, and thermodynamic stability) indicates that this missense variant is not expected to disrupt COL4A5 protein function with a negative predictive value of 95%. In summary, the available evidence is currently insufficient to determine the role of this variant in disease. Therefore, it has been classified as a Variant of Uncertain Significance.

NM_033380.3(COL4A5):c.128T>C (p.Ile43Thr)

Gene: COL4A5 (collagen type IV alpha 5 chain; plus strand). Cytogenetic location: Xq22.3.
Variant type: single nucleotide variant.
Coding change: c.128T>C on transcript NM_033380.3 (MANE Select); coding-DNA position 128, T replaced by C.
Protein change: p.Ile43Thr; replaces isoleucine 43 with threonine.
Molecular consequence: missense variant.
Genome position (GRCh38, 1-based): chrX:108,539,792, T>C. VCF-style: chrX-108539792-T-C. GRCh37 (hg19) VCF-style: chrX-107783022-T-C.
Other names: c.128T>C, p.Ile43Thr (NM_000495.5); short protein forms I43T.
Identifiers: ClinVar variation 3636311 (VCV003636311.2).
Genomic context (GRCh38, chrX:108,539,792, plus strand): 5'-TCTCTTCCTTATAGGCTTGCTATGGGTGTTCTCCAGGATCAAAGTGTGACTGCAGTGGCA[T>C]AAAAGGGGAAAAGGTGAGGTCTTAGATTGGCATTTGAAAATTTAGTAAAGCCAGTAAACT-3'
Protein context (NP_203699.1, residues 33-53): SPGSKCDCSG[Ile43Thr]KGEKGERGFP